The following is an entry in ClinVar:

ClinVar aggregate classification (germline): Uncertain significance (1 of 4 stars; one submission).

Conditions:
Nemaline myopathy 2 (NEM2). Also called: Nemaline myopathy 2, autosomal recessive. Identifiers: MedGen C1850569, MONDO:0009725, OMIM 256030.

Allele frequency attached by ClinVar (database versions not stated): gnomAD exomes 0.00001.
gnomAD v4.1: 11 of 1,613,788 alleles (0.00068%); highest among the groups gnomAD compares: South Asian, 0.012%; no homozygotes.

Submission:

Labcorp Genetics (formerly Invitae), Labcorp
Classification: Uncertain significance for Nemaline myopathy 2. Last evaluated: 2024-01-02. Review status: criteria provided, single submitter. Criteria: Invitae Variant Classification Sherloc (09022015). Collection method: clinical testing. Allele origin: germline.
Comment: This sequence change replaces glutamic acid, which is acidic and polar, with lysine, which is basic and polar, at codon 1863 of the NEB protein (p.Glu1863Lys). This variant is present in population databases (no rsID available, gnomAD 0.003%). This variant has not been reported in the literature in individuals affected with NEB-related conditions. ClinVar contains an entry for this variant (Variation ID: 2071673). Experimental studies and prediction algorithms are not available or were not evaluated, and the functional significance of this variant is currently unknown. In summary, the available evidence is currently insufficient to determine the role of this variant in disease. Therefore, it has been classified as a Variant of Uncertain Significance.

NM_001164508.2(NEB):c.5587G>A (p.Glu1863Lys)

Gene: NEB (nebulin; minus strand). Cytogenetic location: 2q23.3.
Variant type: single nucleotide variant.
Coding change: c.5587G>A on transcript NM_001164508.2 (MANE Select); coding-DNA position 5587, G replaced by A.
Protein change: p.Glu1863Lys; replaces glutamic acid 1863 with lysine.
Molecular consequence: missense variant.
Genome position (GRCh38, 1-based): chr2:151,663,724, C>T on the plus strand (G>A on the coding strand, the complement: NEB is on the minus strand). VCF-style: chr2-151663724-C-T. GRCh37 (hg19) VCF-style: chr2-152520238-C-T.
Other names: c.5587G>A, p.Glu1863Lys (NM_001164507.2, NM_001271208.2, NM_004543.5); short protein forms E1863K.
Identifiers: ClinVar variation 2071673 (VCV002071673.3), dbSNP rs1375183081, ClinGen allele CA348808385.
Genomic context (GRCh38, chr2:151,663,724, plus strand): 5'-TCTTGGCTGCCACCACACTGAGCATGTCCACCGGGGTGTGGAAGGAGGTCTTGGATTTCT[C>T]ATATCCCTTCTTGTATTCCCGGTCTGACTGCATCTTGGCCACTTGCATGAAGTGCACCAG-3'
Protein context (NP_001157980.2, residues 1853-1873): QSDREYKKGY[Glu1863Lys]KSKTSFHTPV